The following is an entry in ClinVar:

ClinVar aggregate classification (germline): Pathogenic/Likely pathogenic. Review status: criteria provided, multiple submitters, no conflicts (2 of 4 stars). 5 submissions from 5 submitters: Pathogenic (1); Likely pathogenic (3). 1 of the submissions does not count toward it. Last evaluated 2026-03-23.

Conditions:
LRSAM1-related disorder. Also called: LRSAM1-related condition.
Charcot-Marie-Tooth disease axonal type 2P. Also called: CHARCOT-MARIE-TOOTH DISEASE, AXONAL, TYPE 2G; CMT 2G; CHARCOT-MARIE-TOOTH NEUROPATHY, TYPE 2P; Charcot-Marie-Tooth Neuropathy Type 2G. Identifiers: Orphanet 300319, Orphanet 99941, MedGen C3280797, MONDO:0013753, OMIM 614436.

Allele frequency attached by ClinVar (database versions not stated): gnomAD 0.00001; gnomAD exomes 0.00001; TOPMed 0.00001; ESP Exome Variant Server 0.00008.
gnomAD v4.1: 15 of 1,613,612 alleles (0.00093%); highest among the groups gnomAD compares: Non-Finnish European, 0.0013%; no homozygotes.

Submissions (5):

PreventionGenetics, part of Exact Sciences
Classification: Likely pathogenic for LRSAM1-related condition. Last evaluated: 2026-03-23. Review status: criteria provided, single submitter. Criteria: ACMG Guidelines, 2015. Collection method: clinical testing. Allele origin: germline.
Comment: The LRSAM1 c.1279C>T variant is predicted to result in premature protein termination (p.Arg427*). To our knowledge, this variant has not been reported in the literature. This variant is reported in 0.0018% of alleles in individuals of European (Non-Finnish) descent in gnomAD. Nonsense variants in LRSAM1 are expected to be pathogenic. This variant is interpreted as likely pathogenic for the autosomal recessive Charcot-Marie-Tooth disease type 2P.

Labcorp Genetics (formerly Invitae), Labcorp
Classification: Pathogenic for Charcot-Marie-Tooth disease axonal type 2P. Last evaluated: 2025-02-27. Review status: criteria provided, single submitter. Criteria: Invitae Variant Classification Sherloc (09022015). Collection method: clinical testing. Allele origin: germline.
Comment: This sequence change creates a premature translational stop signal (p.Arg427*) in the LRSAM1 gene. It is expected to result in an absent or disrupted protein product. Loss-of-function variants in LRSAM1 are known to be pathogenic (PMID: 20865121, 33414056). This variant is present in population databases (rs138226428, gnomAD 0.002%). This variant has not been reported in the literature in individuals affected with LRSAM1-related conditions. ClinVar contains an entry for this variant (Variation ID: 241836). For these reasons, this variant has been classified as Pathogenic.

Revvity Omics, Revvity
Classification: Likely pathogenic for Charcot-Marie-Tooth disease axonal type 2P. Last evaluated: 2021-08-03. Review status: criteria provided, single submitter. Criteria: ACMG Guidelines, 2015. Collection method: clinical testing. Allele origin: germline.

Neuberg Centre For Genomic Medicine, NCGM
Classification: Likely pathogenic for Charcot-Marie-Tooth disease axonal type 2P. Review status: criteria provided, single submitter. Criteria: ACMG Guidelines, 2015. Collection method: clinical testing. Allele origin: germline. Inheritance: Autosomal recessive inheritance. Affected: yes.
Comment: The stop gained (p.Arg427Ter) variant in the LRSAM1 gene has previously not been reported in the literature, loss of function variants in LRSAM1 are known to cause autosomal recessive Charcot-Marie-Tooth disease. This variant has been reported to the ClinVar database as Pathogenic, however details are not available for independent assessment. The variant is novel (not in any individuals) in 1000 Genomes. The nucleotide change in LRSAM1 is predicted as conserved by GERP++ and PhyloP across 100 vertebrates. For these reasons, this variant has been classified as Likely Pathogenic.

Clinical Genetics Laboratory, University Hospital Schleswig-Holstein
Classification: Pathogenic for Charcot-Marie-Tooth disease axonal type 2P. Last evaluated: 2024-03-08. Review status: no assertion criteria provided. Collection method: clinical testing. Allele origin: germline. Affected: yes. Not counted in ClinVar's aggregate classification.

Literature cited by the submitters: PubMed 20865121 (cited by Labcorp Genetics (formerly Invitae), Labcorp); PubMed 33414056 (cited by Labcorp Genetics (formerly Invitae), Labcorp).

NM_001005373.4(LRSAM1):c.1279C>T (p.Arg427Ter)

Gene: LRSAM1 (leucine rich repeat and sterile alpha motif containing 1; plus strand). Cytogenetic location: 9q33.3.
Variant type: single nucleotide variant.
Coding change: c.1279C>T on transcript NM_001005373.4 (MANE Select); coding-DNA position 1279, C replaced by T.
Protein change: p.Arg427Ter; replaces arginine 427 with a stop codon.
Molecular consequence: nonsense. On other transcripts: non-coding transcript variant (2).
Genome position (GRCh38, 1-based): chr9:127,487,695, C>T. VCF-style: chr9-127487695-C-T. GRCh37 (hg19) VCF-style: chr9-130249974-C-T.
Other names: c.1279C>T, p.Arg427Ter (NM_001005374.4, NM_001190723.3, NM_001384142.1 and 2 more transcripts); c.490C>T, p.Arg164Ter (NM_001384144.1); short protein forms R427*, R164*.
Identifiers: ClinVar variation 241836 (VCV000241836.14), dbSNP rs138226428, ClinGen allele CA10582612.